The following is an entry in ClinVar:

NM_001199097.2(BAIAP3):c.122C>T (p.Thr41Met)

Gene: BAIAP3 (BAI1 associated protein 3; plus strand). Cytogenetic location: 16p13.3.
Variant type: single nucleotide variant.
Coding change: c.122C>T on transcript NM_001199097.2 (MANE Select); coding-DNA position 122, C replaced by T.
Protein change: p.Thr41Met; replaces threonine 41 with methionine.
Molecular consequence: missense variant.
Genome position (GRCh38, 1-based): chr16:1,338,671, C>T. VCF-style: chr16-1338671-C-T. GRCh37 (hg19) VCF-style: chr16-1388672-C-T.
Other names: c.122C>T, p.Thr41Met (NM_001199096.2, NM_001199098.2, NM_001199099.2 and 1 more transcripts); c.227C>T, p.Thr76Met (NM_003933.5); short protein forms T41M, T76M.
Identifiers: ClinVar variation 2645890 (VCV002645890.24), dbSNP rs116106398, ClinGen allele CA7805198.
Genomic context (GRCh38, chr16:1,338,671, plus strand): 5'-TCCGCCGCAGGACTGAGCAGGACCCAGGGAGTGCCAGCGCCGACCCGCAGGAGCCTGCCA[C>T]GGGGGCCTGGTGGGTGCCGAGGGGCCCAGCCCCACACGCCCACAGGGCCATTTCCCGCCA-3'
Protein context (NP_001186026.1, residues 31-51): SASADPQEPA[Thr41Met]GAWKPGDGVE

ClinVar aggregate classification (germline): Benign (1 of 4 stars; one submission).

Allele frequency attached by ClinVar (database versions not stated): 1000 Genomes Project 30x 0.00219; gnomAD 0.00228; 1000 Genomes Project 0.00240; TOPMed 0.00279; ESP Exome Variant Server 0.00321.
gnomAD v4.1: 4,225 of 1,582,006 alleles (0.27%); highest among the groups gnomAD compares: Middle Eastern, 1.5%; 15 homozygotes.

Submission:

CeGaT Center for Human Genetics Tuebingen
Classification: Benign. Last evaluated: 2022-10-01. Review status: criteria provided, single submitter. Criteria: CeGaT Center For Human Genetics Tuebingen Variant Classification Criteria Version 2. Collection method: clinical testing. Allele origin: germline. Affected: yes. Observed: 2 variant alleles.
Comment: BAIAP3: BS1, BS2